The following is an entry in ClinVar:

ClinVar aggregate classification (germline): Uncertain significance (1 of 4 stars; one submission).

gnomAD v4.1: 4 of 1,614,030 alleles (0.00025%); highest among the groups gnomAD compares: South Asian, 0.0033%; no homozygotes.

Submission:

Labcorp Genetics (formerly Invitae), Labcorp
Classification: Uncertain significance. Last evaluated: 2024-08-18. Review status: criteria provided, single submitter. Criteria: Invitae Variant Classification Sherloc (09022015). Collection method: clinical testing. Allele origin: germline.
Comment: This sequence change replaces glutamic acid, which is acidic and polar, with lysine, which is basic and polar, at codon 1813 of the MYH9 protein (p.Glu1813Lys). This variant is present in population databases (rs761427754, gnomAD 0.003%). This variant has not been reported in the literature in individuals affected with MYH9-related conditions. Invitae Evidence Modeling of protein sequence and biophysical properties (such as structural, functional, and spatial information, amino acid conservation, physicochemical variation, residue mobility, and thermodynamic stability) has been performed for this missense variant. However, the output from this modeling did not meet the statistical confidence thresholds required to predict the impact of this variant on MYH9 protein function. In summary, the available evidence is currently insufficient to determine the role of this variant in disease. Therefore, it has been classified as a Variant of Uncertain Significance.

NM_002473.6(MYH9):c.5437G>A (p.Glu1813Lys)

Gene: MYH9 (myosin heavy chain 9; minus strand). Cytogenetic location: 22q12.3.
Variant type: single nucleotide variant.
Coding change: c.5437G>A on transcript NM_002473.6 (MANE Select); coding-DNA position 5437, G replaced by A.
Protein change: p.Glu1813Lys; replaces glutamic acid 1813 with lysine.
Molecular consequence: missense variant.
Genome position (GRCh38, 1-based): chr22:36,285,167, C>T on the plus strand (G>A on the coding strand, the complement: MYH9 is on the minus strand). VCF-style: chr22-36285167-C-T. GRCh37 (hg19) VCF-style: chr22-36681213-C-T.
Other names: short protein forms E1813K.
Identifiers: ClinVar variation 3696366 (VCV003696366.2).